The following is an entry in ClinVar:

ClinVar aggregate classification (germline): Uncertain significance. Review status: criteria provided, multiple submitters, no conflicts (2 of 4 stars). 2 submissions from 2 submitters: Uncertain significance (2). Last evaluated 2024-10-16.

Conditions:
Pyogenic arthritis-pyoderma gangrenosum-acne syndrome (PAPA). Also called: FAMILIAL RECURRENT ARTHRITIS; PAPA SYNDROME. Identifiers: Orphanet 69126, MedGen C1858361, MONDO:0011462, OMIM 604416.

Allele frequency attached by ClinVar (database versions not stated): gnomAD exomes below 0.00001; gnomAD 0.00001.
gnomAD v4.1: 3 of 1,610,436 alleles (0.00019%); highest among the groups gnomAD compares: Middle Eastern, 0.017%; no homozygotes.

Submissions (2):

Labcorp Genetics (formerly Invitae), Labcorp
Classification: Uncertain significance for Pyogenic arthritis-pyoderma gangrenosum-acne syndrome. Last evaluated: 2024-10-16. Review status: criteria provided, single submitter. Criteria: Invitae Variant Classification Sherloc (09022015). Collection method: clinical testing. Allele origin: germline.
Comment: This sequence change replaces isoleucine, which is neutral and non-polar, with threonine, which is neutral and polar, at codon 348 of the PSTPIP1 protein (p.Ile348Thr). This variant is present in population databases (no rsID available, gnomAD 0.01%). This variant has not been reported in the literature in individuals affected with PSTPIP1-related conditions. ClinVar contains an entry for this variant (Variation ID: 807295). Invitae Evidence Modeling of protein sequence and biophysical properties (such as structural, functional, and spatial information, amino acid conservation, physicochemical variation, residue mobility, and thermodynamic stability) indicates that this missense variant is not expected to disrupt PSTPIP1 protein function with a negative predictive value of 80%. In summary, the available evidence is currently insufficient to determine the role of this variant in disease. Therefore, it has been classified as a Variant of Uncertain Significance.

CeGaT Center for Human Genetics Tuebingen
Classification: Uncertain significance. Last evaluated: 2017-12-01. Review status: criteria provided, single submitter. Criteria: CeGaT Center For Human Genetics Tuebingen Variant Classification Criteria Version 2. Collection method: clinical testing. Allele origin: germline. Affected: yes. Observed: 1 variant allele.

NM_003978.5(PSTPIP1):c.1043T>C (p.Ile348Thr)

Gene: PSTPIP1 (proline-serine-threonine phosphatase interacting protein 1; plus strand). Cytogenetic location: 15q24.3.
Variant type: single nucleotide variant.
Coding change: c.1043T>C on transcript NM_003978.5 (MANE Select); coding-DNA position 1043, T replaced by C.
Protein change: p.Ile348Thr; replaces isoleucine 348 with threonine.
Molecular consequence: missense variant. On other transcripts: non-coding transcript variant (1).
Genome position (GRCh38, 1-based): chr15:77,035,859, T>C. VCF-style: chr15-77035859-T-C. GRCh37 (hg19) VCF-style: chr15-77328200-T-C.
Other names: c.986T>C, p.Ile329Thr (NM_001321135.2); c.1016T>C, p.Ile339Thr (NM_001321136.2); c.1238T>C, p.Ile413Thr (NM_001321137.1); short protein forms I329T, I348T, I339T, I413T.
Identifiers: ClinVar variation 807295 (VCV000807295.46), dbSNP rs1309288797, ClinGen allele CA393521752.